The following is an entry in ClinVar:

NM_001093.4(ACACB):c.6441G>T (p.Glu2147Asp)

Gene: ACACB (acetyl-CoA carboxylase beta; plus strand). Cytogenetic location: 12q24.11.
Variant type: single nucleotide variant.
Coding change: c.6441G>T on transcript NM_001093.4 (MANE Select); coding-DNA position 6441, G replaced by T.
Protein change: p.Glu2147Asp; replaces glutamic acid 2147 with aspartic acid.
Molecular consequence: missense variant.
Genome position (GRCh38, 1-based): chr12:109,259,053, G>T. VCF-style: chr12-109259053-G-T. GRCh37 (hg19) VCF-style: chr12-109696858-G-T.
Other names: c.6441G>T, p.Glu2147Asp (NM_001412734.1, NM_001412735.1); c.5835G>T, p.Glu1945Asp (NM_001412736.1); c.5814G>T, p.Glu1938Asp (NM_001412737.1); c.5646G>T, p.Glu1882Asp (NM_001412738.1); short protein forms E1945D, E1882D, E2147D, E1938D.
Identifiers: ClinVar variation 4991614 (VCV004991614.1).

ClinVar aggregate classification (germline): Uncertain significance (1 of 4 stars; one submission).

Conditions:
ACACB-related disorder. Also called: ACACB-related condition.

Submission:

PreventionGenetics, part of Exact Sciences
Classification: Uncertain significance for ACACB-related condition. Last evaluated: 2026-09-14. Review status: criteria provided, single submitter. Criteria: ACMG Guidelines, 2015. Collection method: clinical testing. Allele origin: germline.
Comment: The ACACB c.6441G>T variant is predicted to result in the amino acid substitution p.Glu2147Asp. To our knowledge, this variant has not been reported in the literature. This variant is reported in 0.00088% of alleles in individuals of European (Non-Finnish) descent in gnomAD. At this time, the clinical significance of this variant is uncertain due to the absence of conclusive functional and genetic evidence.